The following is an entry in ClinVar:

ClinVar aggregate classification (germline): Conflicting classifications of pathogenicity. Review status: criteria provided, conflicting classifications (1 of 4 stars). 4 submissions from 4 submitters: Uncertain significance (1); Likely benign (3). Last evaluated 2024-04-18.

Conditions:
Breast and/or ovarian cancer. Identifiers: MedGen CN221562.
Familial cancer of breast. Also called: Hereditary breast cancer; hereditary breast carcinoma; BREAST CANCER, FAMILIAL. Identifiers: Orphanet 227535, MedGen C0346153, MONDO:0016419, OMIM 114480. Disease mechanism: loss of function.
Ataxia-telangiectasia syndrome (AT). Also called: Ataxia telangiectasia (A-T); LOUIS-BAR SYNDROME; AT, COMPLEMENTATION GROUP C; ATAXIA-TELANGIECTASIA, COMPLEMENTATION GROUP A; ATAXIA-TELANGIECTASIA, FRESNO VARIANT; Ataxia-telangiectasia. Identifiers: Orphanet 100, MedGen C0004135, MONDO:0008840, OMIM 208900.

Submissions (4):

Myriad Genetics, Inc.
Classification: Likely benign for Familial cancer of breast. Last evaluated: 2024-04-18. Review status: criteria provided, single submitter. Criteria: Myriad Autosomal Dominant, Autosomal Recessive and X-Linked Classification Criteria (2023). Collection method: clinical testing. Allele origin: unknown.
Comment: This variant is considered likely benign. This variant is intronic and is not expected to impact mRNA splicing.

CHEO Genetics Diagnostic Laboratory, Children's Hospital of Eastern Ontario
Classification: Uncertain significance for Breast and/or ovarian cancer. Last evaluated: 2023-05-19. Review status: criteria provided, single submitter. Criteria: ACMG Guidelines, 2015. Collection method: clinical testing. Allele origin: germline.

Labcorp Genetics (formerly Invitae), Labcorp
Classification: Likely benign for Ataxia-telangiectasia syndrome. Last evaluated: 2022-07-26. Review status: criteria provided, single submitter. Criteria: Invitae Variant Classification Sherloc (09022015). Collection method: clinical testing. Allele origin: germline.

GeneDx
Classification: Likely benign. Last evaluated: 2021-04-30. Review status: criteria provided, single submitter. Criteria: GeneDx Variant Classification Process June 2021. Collection method: clinical testing. Allele origin: germline. Affected: yes.

NM_000051.4(ATM):c.332-7G>T

Gene: ATM (ATM serine/threonine kinase; plus strand). Cytogenetic location: 11q22.3.
Variant type: single nucleotide variant.
Coding change: c.332-7G>T on transcript NM_000051.4 (MANE Select); 7 bases into the intron before coding-DNA position 332, G replaced by T.
Molecular consequence: intron variant.
Genome position (GRCh38, 1-based): chr11:108,235,663, G>T. VCF-style: chr11-108235663-G-T. GRCh37 (hg19) VCF-style: chr11-108106390-G-T.
Other names: c.332-7G>T (NM_000051.3, NM_001351834.2).
Identifiers: ClinVar variation 1315003 (VCV001315003.11), dbSNP rs1591474291, ClinGen allele CA2573053394.